The following is an entry in ClinVar:

ClinVar aggregate classification (germline): Likely benign. Review status: criteria provided, multiple submitters, no conflicts (2 of 4 stars). 2 submissions from 2 submitters: Likely benign (2). Last evaluated 2025-08-26.

Allele frequency attached by ClinVar (database versions not stated): gnomAD exomes 0.00004 and 0.00014; gnomAD 0.00005 and 0.00007; TOPMed 0.00006; ExAC 0.00013; 1000 Genomes Project 30x 0.00016; 1000 Genomes Project 0.00020.

Submissions (2):

Labcorp Genetics (formerly Invitae), Labcorp
Classification: Likely benign. Last evaluated: 2025-08-26. Review status: criteria provided, single submitter. Criteria: Invitae Variant Classification Sherloc (09022015). Collection method: clinical testing. Allele origin: germline.

GeneDx
Classification: Likely benign. Last evaluated: 2016-06-03. Review status: criteria provided, single submitter. Criteria: GeneDx Variant Classification (06012015). Collection method: clinical testing. Allele origin: germline. Affected: yes.
Comment: This variant is considered likely benign or benign based on one or more of the following criteria: it is a conservative change, it occurs at a poorly conserved position in the protein, it is predicted to be benign by multiple in silico algorithms, and/or has population frequency not consistent with disease.

NM_001277062.2(MFF):c.440+2458T>G

Gene: MFF (mitochondrial fission factor; plus strand). Cytogenetic location: 2q36.3.
Variant type: single nucleotide variant.
Coding change: c.440+2458T>G on transcript NM_001277062.2 (MANE Select); 2458 bases into the intron after coding-DNA position 440, T replaced by G.
Molecular consequence: intron variant.
Genome position (GRCh38, 1-based): chr2:227,342,838, T>G. VCF-style: chr2-227342838-T-G. GRCh37 (hg19) VCF-style: chr2-228207554-T-G.
Other names: c.593+19T>G (NM_001277061.2, NM_020194.5); c.515+19T>G (NM_001277063.2); c.440+2458T>G (NM_001277064.2, NM_001277065.2, NM_001277066.2 and 1 more transcripts); c.290+2458T>G (NM_001277067.1).
Identifiers: ClinVar variation 386279 (VCV000386279.2), dbSNP rs368130845, ClinGen allele CA2147945.